The following is an entry in ClinVar:

NM_000180.4(GUCY2D):c.2513G>A (p.Arg838His)

Gene: GUCY2D (guanylate cyclase 2D, retinal; plus strand). Cytogenetic location: 17p13.1.
Variant type: single nucleotide variant.
Coding change: c.2513G>A on transcript NM_000180.4 (MANE Select); coding-DNA position 2513, G replaced by A.
Protein change: p.Arg838His; replaces arginine 838 with histidine.
Molecular consequence: missense variant.
Genome position (GRCh38, 1-based): chr17:8,014,701, G>A. VCF-style: chr17-8014701-G-A. GRCh37 (hg19) VCF-style: chr17-7918019-G-A.
Other names: NP_000171.1:p.(Arg838His); short protein forms R838H.
Identifiers: ClinVar variation 9357 (VCV000009357.73), dbSNP rs61750173, ClinGen allele CA226086.

ClinVar aggregate classification (germline): Pathogenic/Likely pathogenic. Review status: criteria provided, multiple submitters, no conflicts (2 of 4 stars). 25 submissions from 24 submitters: Pathogenic (16); Likely pathogenic (1). 8 of the submissions do not count toward it. Last evaluated 2026-09-24.

Conditions:
Progressive cone dystrophy (without rod involvement). Identifiers: MedGen C0271092.
GUCY2D-related disorders.
GUCY2D-related disorder. Also called: GUCY2D-related condition.
Retinal dystrophy. Also called: Inherited retinal dystrophy. Identifiers: Orphanet 71862, MedGen C0854723, MeSH D058499, MONDO:0019118, HP:0000556.
Cone-rod dystrophy 6 (CORD6). Also called: Cone dystrophy progressive; RETINAL CONE DYSTROPHY 2. Identifiers: Orphanet 1872, MedGen C1866293, MONDO:0011143, OMIM 601777.
Leber congenital amaurosis 1 (LCA1). Also called: AMAUROSIS CONGENITA OF LEBER I; RETINAL BLINDNESS, CONGENITAL; Congenital absence of the rods and cones; Leber's congenital tapetoretinal degeneration; Leber's congenital tapetoretinal dysplasia. Identifiers: Orphanet 65, MedGen C2931258, MONDO:0008764, OMIM 204000.
Retinitis pigmentosa (RP). Identifiers: Orphanet 791, MedGen C0035334, MeSH D012174, MONDO:0019200, OMIM 268000. Inheritance: Autosomal dominant, autosomal recessive and X linked inheritance.
Cone-rod dystrophy. Also called: Cone-rod degeneration; Cone/cone-rod dystrophy. Identifiers: Orphanet 1872, MedGen C4085590, MONDO:0015993, HP:0000548.
Retinal disorder. Also called: Retinal disorders; Retinopathies; Retinal Diseases; Retinopathy. Identifiers: MedGen C0035309, MONDO:0005283, HP:0000488.
Macular dystrophy. Identifiers: MedGen C0730292, HP:0007754.
Visual impairment. Also called: vision problems; Impaired vision. Identifiers: MedGen C3665347, HP:0000505.
Cone dystrophy. Identifiers: Orphanet 1871, MedGen C0730290, MONDO:0000455.

gnomAD v4.1: 3 of 1,607,636 alleles (0.00019%); highest among the groups gnomAD compares: South Asian, 0.0011%; no homozygotes.

Submissions 1 to 13 of 25:

Genetics Laboratory, Great Ormond Street Hospital NHS Foundation Trust, North Thames Genomic Laboratory Hub
Classification: Pathogenic for Retinal disorders. Last evaluated: 2026-09-24. Review status: criteria provided, single submitter. Criteria: ACGS Best Practice Guidelines for Variant Classification in Rare Disease 2024 v1.2. Collection method: clinical testing. Allele origin: germline. Affected: yes.
Comment: PS4_moderate, PM2_moderate, PP3_supporting, PM5_moderate, PS3_moderate, PM1_moderate, PP1_strong

PreventionGenetics, part of Exact Sciences
Classification: Pathogenic for GUCY2D-related condition. Last evaluated: 2026-08-05. Review status: criteria provided, single submitter. Criteria: ACMG Guidelines, 2015. Collection method: clinical testing. Allele origin: germline.
Comment: The GUCY2D c.2513G>A variant is predicted to result in the amino acid substitution p.Arg838His. This variant has been reported in numerous individuals with autosomal dominant cone dystrophy (ADCD) and cone-rod dystrophy (ADCRD) (Payne et al. 2001. PubMed ID: 11565546; Kohl et al. 2012. PubMed ID: 22183351; Shanks et al. 2012. PubMed ID: 22968130; Table S1, Weisschuh et al. 2024. PubMed ID: 37734845) and segregation was shown in a family with ADCD (Xiao et al. 2011. PubMed ID: 22194653). A functional study using protein expression in mammalian cell culture demonstrated that this p.Arg838His substitution affects protein function (Wilkie et al. 2000. PubMed ID: 11115851). Alternate nucleotide changes affecting the same amino acid (p.Arg838Gly and p.Arg838Cys) have also been reported in individuals with ADCRD (Payne et al. 2001. PubMed ID: 11565546; Kitiratschky et al. 2008. PubMed ID: 18487367) and are classified as pathogenic (Internal Data, PreventionGenetics). This variant is absent in a large population database (gnomAD), indicating this variant is rare. This variant is interpreted as pathogenic.

Dasa
Classification: Pathogenic. Last evaluated: 2026-04-10. Review status: criteria provided, single submitter. Criteria: DASA Assertion Criteria. Collection method: clinical testing. Allele origin: germline.
Comment: NM_000180.4(GUCY2D):c.2513G>A (p.Arg838His) is a missense variant that results in the substitution of arginine with histidine. The affected residue or protein region has prior evidence supporting clinical relevance. Segregation evidence has been reported in affected families. Functional evidence supports a deleterious effect on the gene or gene product (PMID: 11115851; PMID: 12552567; PMID: 26298565). This variant has been recurrently observed in individuals with related phenotype (PMID: 11115851; PMID: 12552567; PMID: 26298565). Multiple computational predictions support a deleterious effect on the gene or gene product. The variant is present at low frequency in population datasets. Based on the available data, this variant is classified as pathogenic.

Labcorp Genetics (formerly Invitae), Labcorp
Classification: Pathogenic for Leber congenital amaurosis 1; Cone-rod dystrophy 6. Last evaluated: 2025-12-22. Review status: criteria provided, single submitter. Criteria: Invitae Variant Classification Sherloc (09022015). Collection method: clinical testing. Allele origin: germline.
Comment: This sequence change replaces arginine, which is basic and polar, with histidine, which is basic and polar, at codon 838 of the GUCY2D protein (p.Arg838His). This variant is not present in population databases (gnomAD no frequency). This missense change has been observed in individuals with autosomal dominant cone-rod dystrophy (PMID: 12552567, 26298565). It has also been observed to segregate with disease in related individuals. This variant is also known as 2586G>A. ClinVar contains an entry for this variant (Variation ID: 9357). Invitae Evidence Modeling of protein sequence and biophysical properties (such as structural, functional, and spatial information, amino acid conservation, physicochemical variation, residue mobility, and thermodynamic stability) has been performed for this missense variant. However, the output from this modeling did not meet the statistical confidence thresholds required to predict the impact of this variant on GUCY2D protein function. Experimental studies have shown that this missense change affects GUCY2D function (PMID: 11115851). This variant disrupts the p.Arg838 amino acid residue in GUCY2D. Other variant(s) that disrupt this residue have been determined to be pathogenic (PMID: 11115851, 12552567, 24875811, 26298565). This suggests that this residue is clinically significant, and that variants that disrupt this residue are likely to be disease-causing. For these reasons, this variant has been classified as Pathogenic.

Ophthalmic Genetics Group, Institute of Molecular and Clinical Ophthalmology Basel
Classification: Pathogenic for Cone-rod dystrophy. Last evaluated: 2023-07-24. Review status: criteria provided, single submitter. Criteria: ACMG Guidelines, 2015. Collection method: research. Allele origin: germline. Affected: yes. Observed: 1 variant allele.
Comment: Clinical significance based on ACMG v2.0

This variant was classified as Pathogenic based on ACMG criteria: PP5, PM2, PM5, PM1, PS4, PP3.

Blueprint Genetics
Classification: Pathogenic for GUCY2D-related disorders. Last evaluated: 2022-08-31. Review status: criteria provided, single submitter. Criteria: ACMG Guidelines, 2015. Collection method: clinical testing. Allele origin: germline. Affected: yes. Observed: 5 variant alleles.

GeneDx
Classification: Pathogenic. Last evaluated: 2022-04-05. Review status: criteria provided, single submitter. Criteria: GeneDx Variant Classification Process June 2021. Collection method: clinical testing. Allele origin: germline. Affected: yes.
Comment: Not observed in large population cohorts (gnomAD); Published functional studies suggest a damaging effect (dominant negative effect with a higher activity compared to wild type) (Wilkie et al., 2000); In silico analysis, which includes protein predictors and evolutionary conservation, supports a deleterious effect; This variant is associated with the following publications: (PMID: 28041643, 25082885, 23563732, 18487367, 22183351, 22968130, 24480840, 11115851, 25283059, 24875811, 15175914, 26298565, 29061346, 28181551, 25515582, 10676808, 11565546, 22194653, 29555955, 31456290, 32821499, 32036094, 32581362, 34048777, 32811265, 12552567, 33691693)

AURAGEN, Plan France Médecine Génomique
Classification: Pathogenic for Retinal disorder. Last evaluated: 2022-01-24. Review status: criteria provided, single submitter. Criteria: PFMG2025 (Lancet Reg Health Eur. 2025). Collection method: clinical testing. Allele origin: germline. Affected: yes.

Institute of Human Genetics, Univ. Regensburg, Univ. Regensburg
Classification: Pathogenic for Retinal dystrophy. Last evaluated: 2022-01-01. Review status: criteria provided, single submitter. Criteria: ACMG Guidelines, 2015. Collection method: clinical testing. Allele origin: germline. Affected: yes.

Institute of Human Genetics, University of Leipzig Medical Center
Classification: Pathogenic for Cone-rod dystrophy 6. Last evaluated: 2021-04-07. Review status: criteria provided, single submitter. Criteria: ACMG Guidelines, 2015. Collection method: clinical testing. Allele origin: unknown. Affected: yes.

Broad Center for Mendelian Genomics, Broad Institute of MIT and Harvard
Classification: Pathogenic for Retinitis pigmentosa. Last evaluated: 2021-04-01. Review status: criteria provided, single submitter. Criteria: ACMG Guidelines, 2015. Collection method: curation. Allele origin: germline. Inheritance: Autosomal dominant inheritance. Affected: yes.
Comment: Through a review of available evidence we were able to apply the following criteria: PM2, PP3, PS3, PM1, PP1. Based on this evidence we have classified this variant as Pathogenic. If you have any questions about the classification please reach out to the Pierce Lab.

Institute of Medical Molecular Genetics, University of Zurich
Classification: Likely pathogenic for Cone-rod dystrophy 6. Last evaluated: 2021-01-30. Review status: criteria provided, single submitter. Criteria: ACMG Guidelines, 2015. Collection method: clinical testing. Allele origin: unknown. Affected: yes.

Institute of Medical Genetics and Applied Genomics, University Hospital Tübingen
Classification: Pathogenic. Last evaluated: 2020-10-23. Review status: criteria provided, single submitter. Criteria: ACMG Guidelines, 2015. Collection method: clinical testing. Allele origin: germline. Inheritance: Unknown mechanism. Affected: yes.